The following is an entry in ClinVar:

NM_000303.3(PMM2):c.699G>A (p.Ala233=)

Gene: PMM2 (phosphomannomutase 2; plus strand). Cytogenetic location: 16p13.2.
Variant type: single nucleotide variant.
Coding change: c.699G>A on transcript NM_000303.3 (MANE Select); coding-DNA position 699, G replaced by A.
Protein change: p.Ala233=; no amino-acid change (alanine 233 retained).
Molecular consequence: synonymous variant.
Genome position (GRCh38, 1-based): chr16:8,847,783, G>A. VCF-style: chr16-8847783-G-A. GRCh37 (hg19) VCF-style: chr16-8941640-G-A.
Identifiers: ClinVar variation 766001 (VCV000766001.15), dbSNP rs375881270, ClinGen allele CA7894208.

ClinVar aggregate classification (germline): Likely benign. Review status: criteria provided, multiple submitters, no conflicts (2 of 4 stars). 3 submissions from 3 submitters: Likely benign (2). 1 of the submissions does not count toward it. Last evaluated 2026-01-07.

Conditions:
PMM2-related disorder. Also called: PMM2-related condition.
PMM2-congenital disorder of glycosylation. Also called: JAEKEN SYNDROME; PHOSPHOMANNOMUTASE 2 DEFICIENCY; CARBOHYDRATE-DEFICIENT GLYCOPROTEIN SYNDROME, TYPE Ia; Congenital disorder of glycosylation, type Ia; CDG Ia; PMM2-CDG. Identifiers: Orphanet 79318, MedGen C0349653, MONDO:0008907, OMIM 212065.

Allele frequency attached by ClinVar (database versions not stated): gnomAD exomes below 0.00001 and 0.00001; TOPMed 0.00002; ExAC 0.00003; gnomAD 0.00003; ESP Exome Variant Server 0.00008.
gnomAD v4.1: 11 of 1,613,862 alleles (0.00068%); highest among the groups gnomAD compares: African/African-American, 0.0027%; 1 homozygote.

Submissions (3):

PreventionGenetics, part of Exact Sciences
Classification: Likely benign for PMM2-related condition. Last evaluated: 2026-01-07. Review status: criteria provided, single submitter. Criteria: ACMG Guidelines, 2015. Collection method: clinical testing. Allele origin: germline.
Comment: This variant is classified as likely benign based on ACMG/AMP sequence variant interpretation guidelines (Richards et al. 2015 PMID: 25741868, with internal and published modifications).

Labcorp Genetics (formerly Invitae), Labcorp
Classification: Likely benign for PMM2-congenital disorder of glycosylation. Last evaluated: 2025-11-23. Review status: criteria provided, single submitter. Criteria: Invitae Variant Classification Sherloc (09022015). Collection method: clinical testing. Allele origin: germline.

Natera, Inc.
Classification: Likely benign for Congenital disorder of glycosylation type 1a. Last evaluated: 2020-02-21. Review status: no assertion criteria provided. Collection method: clinical testing. Allele origin: germline. Not counted in ClinVar's aggregate classification.